The following is an entry in ClinVar:

ClinVar aggregate classification (germline): Likely benign (1 of 4 stars; one submission).

Allele frequency attached by ClinVar (database versions not stated): gnomAD exomes 0.00066; 1000 Genomes Project 0.00519; 1000 Genomes Project 30x 0.00609; gnomAD 0.00675 and 0.00739; TOPMed 0.00756.
gnomAD v4.1: 1,575 of 960,294 alleles (0.16%); highest among the groups gnomAD compares: African/African-American, 2.3%; 11 homozygotes.

Submission:

GeneDx
Classification: Likely benign. Last evaluated: 2018-06-14. Review status: criteria provided, single submitter. Criteria: GeneDx Variant Classification (06012015). Collection method: clinical testing. Allele origin: germline. Affected: yes.
Comment: This variant is considered likely benign or benign based on one or more of the following criteria: it is a conservative change, it occurs at a poorly conserved position in the protein, it is predicted to be benign by multiple in silico algorithms, and/or has population frequency not consistent with disease.

NM_003850.3(SUCLA2):c.1229-124T>C

Gene: SUCLA2 (succinate-CoA ligase ADP-forming subunit beta; minus strand). Cytogenetic location: 13q14.2.
Variant type: single nucleotide variant.
Coding change: c.1229-124T>C on transcript NM_003850.3 (MANE Select); 124 bases into the intron before coding-DNA position 1229, T replaced by C.
Molecular consequence: intron variant.
Genome position (GRCh38, 1-based): chr13:47,949,152, A>G on the plus strand (T>C on the coding strand, the complement: SUCLA2 is on the minus strand). VCF-style: chr13-47949152-A-G. GRCh37 (hg19) VCF-style: chr13-48523287-A-G.
Identifiers: ClinVar variation 675586 (VCV000675586.1), dbSNP rs116556378, ClinGen allele CA249817849.